The following is an entry in ClinVar:

ClinVar aggregate classification (germline): Likely benign. Review status: criteria provided, multiple submitters, no conflicts (2 of 4 stars). 7 submissions from 7 submitters: Likely benign (7). Last evaluated 2025-12-01.

Conditions:
TNXB-related disorder. Also called: TNXB-related condition.
Cardiovascular phenotype. Identifiers: MedGen CN230736.

Allele frequency attached by ClinVar (database versions not stated): gnomAD 0.00011 and 0.00012; TOPMed 0.00012; gnomAD exomes 0.00014; 1000 Genomes Project 0.00040; ExAC 0.00059; 1000 Genomes Project 30x 0.00078; ESP Exome Variant Server 0.00080.

Submissions (7):

Labcorp Genetics (formerly Invitae), Labcorp
Classification: Likely benign. Last evaluated: 2025-12-01. Review status: criteria provided, single submitter. Criteria: Invitae Variant Classification Sherloc (09022015). Collection method: clinical testing. Allele origin: germline.

CeGaT Center for Human Genetics Tuebingen
Classification: Likely benign. Last evaluated: 2024-11-01. Review status: criteria provided, single submitter. Criteria: CeGaT Center For Human Genetics Tuebingen Variant Classification Criteria Version 2. Collection method: clinical testing. Allele origin: germline. Affected: yes. Observed: 2 variant alleles.
Comment: TNXB: BP4, BP7

PreventionGenetics, part of Exact Sciences
Classification: Likely benign for TNXB-related condition. Last evaluated: 2024-10-10. Review status: criteria provided, single submitter. Criteria: ACMG Guidelines, 2015. Collection method: clinical testing. Allele origin: germline.
Comment: This variant is classified as likely benign based on ACMG/AMP sequence variant interpretation guidelines (Richards et al. 2015 PMID: 25741868, with internal and published modifications).

Blueprint Genetics
Classification: Likely benign. Last evaluated: 2024-07-08. Review status: criteria provided, single submitter. Criteria: ACMG Guidelines, 2015. Collection method: clinical testing. Allele origin: germline.

GeneDx
Classification: Likely benign. Last evaluated: 2020-07-22. Review status: criteria provided, single submitter. Criteria: GeneDx Variant Classification Process June 2021. Collection method: clinical testing. Allele origin: germline. Affected: yes.

Ambry Genetics
Classification: Likely benign for Cardiovascular phenotype. Last evaluated: 2020-01-24. Review status: criteria provided, single submitter. Criteria: Ambry Variant Classification Scheme 2023. Collection method: clinical testing. Allele origin: germline.

Breakthrough Genomics
Classification: Likely benign. Review status: criteria provided, single submitter. Criteria: ACMG Guidelines, 2015. Collection method: not provided. Allele origin: germline. Inheritance: Autosomal recessive inheritance. Affected: yes.

NM_001365276.2(TNXB):c.8388C>T (p.Pro2796=)

Gene: TNXB (tenascin XB; minus strand). Cytogenetic location: 6p21.33.
Variant type: single nucleotide variant.
Coding change: c.8388C>T on transcript NM_001365276.2 (MANE Select); coding-DNA position 8388, C replaced by T.
Protein change: p.Pro2796=; no amino-acid change (proline 2796 retained).
Molecular consequence: synonymous variant.
Genome position (GRCh38, 1-based): chr6:32,055,930, G>A on the plus strand (C>T on the coding strand, the complement: TNXB is on the minus strand). VCF-style: chr6-32055930-G-A. GRCh37 (hg19) VCF-style: chr6-32023707-G-A.
Other names: c.8388C>T, p.Pro2796= (NM_019105.8).
Identifiers: ClinVar variation 1213439 (VCV001213439.32), dbSNP rs201910659, ClinGen allele CA3733864.
Genomic context (GRCh38, chr6:32,055,930, plus strand): 5'-CACCGGGCCCACACGCCGCCCCTCGTGGAGGCCGTACAGGTGCATCTTGTATTTGCGCCC[G>A]GGCTCCAGGCCCCCCACGGTGACCTCGCTCTCCTCGCCCCTGACACGCATCACCTGGGGC-3'
Protein context (NP_001352205.1, residues 2786-2806): ESEVTVGGLE[Pro2796=]GRKYKMHLYG